The following is an entry in ClinVar:

ClinVar aggregate classification (germline): Uncertain significance. Review status: criteria provided, multiple submitters, no conflicts (2 of 4 stars). 2 submissions from 2 submitters: Uncertain significance (2). Last evaluated 2025-03-03.

Conditions:
Inborn genetic diseases. Identifiers: MedGen C0950123, MeSH D030342.
Chédiak-Higashi syndrome (CHS). Also called: Chediak-Higashi Syndrome. Identifiers: Orphanet 167, MedGen C0007965, MONDO:0008963, OMIM 214500.

Allele frequency attached by ClinVar (database versions not stated): gnomAD exomes below 0.00001; TOPMed below 0.00001; gnomAD 0.00001.
gnomAD v4.1: 4 of 1,613,890 alleles (0.00025%); highest among the groups gnomAD compares: African/African-American, 0.0053%; no homozygotes.

Submissions (2):

Ambry Genetics
Classification: Uncertain significance for Inborn genetic diseases. Last evaluated: 2025-03-03. Review status: criteria provided, single submitter. Criteria: Ambry Variant Classification Scheme 2023. Collection method: clinical testing. Allele origin: germline.

Labcorp Genetics (formerly Invitae), Labcorp
Classification: Uncertain significance for Chédiak-Higashi syndrome. Last evaluated: 2023-07-07. Review status: criteria provided, single submitter. Criteria: Invitae Variant Classification Sherloc (09022015). Collection method: clinical testing. Allele origin: germline.
Comment: Advanced modeling of protein sequence and biophysical properties (such as structural, functional, and spatial information, amino acid conservation, physicochemical variation, residue mobility, and thermodynamic stability) has been performed at Invitae for this missense variant, however the output from this modeling did not meet the statistical confidence thresholds required to predict the impact of this variant on LYST protein function. In summary, the available evidence is currently insufficient to determine the role of this variant in disease. Therefore, it has been classified as a Variant of Uncertain Significance. This sequence change replaces lysine, which is basic and polar, with threonine, which is neutral and polar, at codon 485 of the LYST protein (p.Lys485Thr). This variant is present in population databases (no rsID available, gnomAD 0.01%). This variant has not been reported in the literature in individuals affected with LYST-related conditions. ClinVar contains an entry for this variant (Variation ID: 1471554).

NM_000081.4(LYST):c.1454A>C (p.Lys485Thr)

Gene: LYST (lysosomal trafficking regulator; minus strand). Cytogenetic location: 1q42.3.
Variant type: single nucleotide variant.
Coding change: c.1454A>C on transcript NM_000081.4 (MANE Select); coding-DNA position 1454, A replaced by C.
Protein change: p.Lys485Thr; replaces lysine 485 with threonine.
Molecular consequence: missense variant.
Genome position (GRCh38, 1-based): chr1:235,809,364, T>G on the plus strand (A>C on the coding strand, the complement: LYST is on the minus strand). VCF-style: chr1-235809364-T-G. GRCh37 (hg19) VCF-style: chr1-235972664-T-G.
Other names: c.1454A>C (NM_000081.2); c.1454A>C, p.Lys485Thr (NM_001301365.1); short protein forms K485T.
Identifiers: ClinVar variation 1471554 (VCV001471554.8), dbSNP rs1226935255, ClinGen allele CA344962368.